The following is an entry in ClinVar:

ClinVar aggregate classification (germline): Likely pathogenic (1 of 4 stars; one submission).

Conditions:
Microcephaly, normal intelligence and immunodeficiency (NBS). Also called: Immunodeficiency, microcephaly with normal intelligence; Microcephaly with normal intelligence immunodeficiency and lymphoreticular malignancies; Nonsyndromal microcephaly autosomal recessive with normal intelligence; Seemanova syndrome 2; Ataxia telangiectasia variant V1; SEEMANOVA SYNDROME II. Identifiers: Orphanet 647, MedGen C0398791, MONDO:0009623, OMIM 251260.

Submission:

Labcorp Genetics (formerly Invitae), Labcorp
Classification: Likely pathogenic for Microcephaly, normal intelligence and immunodeficiency. Last evaluated: 2021-10-29. Review status: criteria provided, single submitter. Criteria: Invitae Variant Classification Sherloc (09022015). Collection method: clinical testing. Allele origin: germline.
Comment: In summary, the currently available evidence indicates that the variant is pathogenic, but additional data are needed to prove that conclusively. Therefore, this variant has been classified as Likely Pathogenic. This variant disrupts the ATM interaction domain of the NBN protein (PMID: 24894818, 21035407), which is important for activating ATM in the double-strand break repair pathway (PMID: 15964794, 15048089). While functional studies have not been performed to directly test the effect of this variant on NBN protein function, this suggests that disruption of this region of the protein is causative of disease. This variant has not been reported in the literature in individuals affected with NBN-related conditions. This variant is not present in population databases (gnomAD no frequency). This sequence change creates a premature translational stop signal (p.Thr717Argfs*22) in the NBN gene. While this is not anticipated to result in nonsense mediated decay, it is expected to disrupt the last 38 amino acid(s) of the NBN protein.

Literature cited by the submitters: PubMed 24894818; PubMed 21035407; PubMed 15964794; PubMed 15048089.

NM_002485.5(NBN):c.2150_2157del (p.Thr717fs)

Gene: NBN (nibrin; minus strand). Cytogenetic location: 8q21.3.
Variant type: Deletion.
Coding change: c.2150_2157del on transcript NM_002485.5 (MANE Select); coding-DNA positions 2150 to 2157, 8 bases deleted (CAGAACTA; older notation c.2150_2157delCAGAACTA).
Protein change: p.Thr717fs; shifts the reading frame from threonine 717.
Molecular consequence: frameshift variant.
Genome position (GRCh38, 1-based): chr8:89,943,280-89,943,287, TAGTTCTG deleted on the plus strand (CAGAACTA on the coding strand, the reverse complement: NBN is on the minus strand); deleting any 8 consecutive bases within chr8:89,943,280-89,943,289 gives the same sequence; the c. name uses the placement nearest the transcript's 3' end. VCF-style (leftmost placement, unchanged base first): chr8-89943279-CTAGTTCTG-C. GRCh37 (hg19) VCF-style: chr8-90955507-CTAGTTCTG-C.
Other names: c.1904_1911del, p.Thr635fs (NM_001024688.3); short protein forms T635fs, T717fs.
Identifiers: ClinVar variation 1347888 (VCV001347888.6), dbSNP rs2130755422, ClinGen allele CA2573143328.